The following is an entry in ClinVar:

NM_013275.6(ANKRD11):c.3971C>G (p.Ser1324Cys)

Gene: ANKRD11 (ankyrin repeat domain 11; minus strand). Cytogenetic location: 16q24.3.
Variant type: single nucleotide variant.
Coding change: c.3971C>G on transcript NM_013275.6 (MANE Select); coding-DNA position 3971, C replaced by G.
Protein change: p.Ser1324Cys; replaces serine 1324 with cysteine.
Molecular consequence: missense variant.
Genome position (GRCh38, 1-based): chr16:89,282,571, G>C on the plus strand (C>G on the coding strand, the complement: ANKRD11 is on the minus strand). VCF-style: chr16-89282571-G-C. GRCh37 (hg19) VCF-style: chr16-89348979-G-C.
Other names: c.3971C>G, p.Ser1324Cys (NM_001256182.2, NM_001256183.2); short protein forms S1324C.
Identifiers: ClinVar variation 2890649 (VCV002890649.3), dbSNP rs2034348771, ClinGen allele CA397158600.

ClinVar aggregate classification (germline): Uncertain significance (1 of 4 stars; one submission).

Conditions:
KBG syndrome (KBGS). Also called: ANKRD11-Related KBG Syndrome. Identifiers: Orphanet 2332, MedGen C0220687, MONDO:0007846, OMIM 148050.

Allele frequency attached by ClinVar (database versions not stated): gnomAD 0.00001.
gnomAD v4.1: 2 of 1,613,966 alleles (0.00012%); highest among the groups gnomAD compares: Non-Finnish European, 0.00017%; no homozygotes.

Submission:

Labcorp Genetics (formerly Invitae), Labcorp
Classification: Uncertain significance for KBG syndrome. Last evaluated: 2023-02-01. Review status: criteria provided, single submitter. Criteria: Invitae Variant Classification Sherloc (09022015). Collection method: clinical testing. Allele origin: germline.
Comment: Advanced modeling of protein sequence and biophysical properties (such as structural, functional, and spatial information, amino acid conservation, physicochemical variation, residue mobility, and thermodynamic stability) performed at Invitae indicates that this missense variant is not expected to disrupt ANKRD11 protein function. In summary, the available evidence is currently insufficient to determine the role of this variant in disease. Therefore, it has been classified as a Variant of Uncertain Significance. This variant has not been reported in the literature in individuals affected with ANKRD11-related conditions. This variant is not present in population databases (gnomAD no frequency). This sequence change replaces serine, which is neutral and polar, with cysteine, which is neutral and slightly polar, at codon 1324 of the ANKRD11 protein (p.Ser1324Cys).